The following is an entry in ClinVar:

NM_022455.5(NSD1):c.950C>T (p.Thr317Met)

Gene: NSD1 (nuclear receptor binding SET domain protein 1; plus strand). Cytogenetic location: 5q35.3.
Variant type: single nucleotide variant.
Coding change: c.950C>T on transcript NM_022455.5 (MANE Select); coding-DNA position 950, C replaced by T.
Protein change: p.Thr317Met; replaces threonine 317 with methionine.
Molecular consequence: missense variant.
Genome position (GRCh38, 1-based): chr5:177,191,906, C>T. VCF-style: chr5-177191906-C-T. GRCh37 (hg19) VCF-style: chr5-176618907-C-T.
Other names: c.77C>T, p.Thr26Met (NM_001409306.1, NM_001409307.1, NM_001409308.1 and 4 more transcripts); c.950C>T, p.Thr317Met (NM_001409301.1, NM_001409302.1, NM_001409303.1); c.530C>T, p.Thr177Met (NM_001409304.1); short protein forms T177M, T26M, T317M.
Identifiers: ClinVar variation 2629309 (VCV002629309.4), dbSNP rs967342981, ClinGen allele CA132874230.
Genomic context (GRCh38, chr5:177,191,906, plus strand): 5'-TGATTCTTATTGATGCCCCATGTTTTGTCTGTCTAAAGTGTCAACCTAAGAAAAAGTCTA[C>T]GCCACTGAAGTATGAAGTTGGAGATCTCATCTGGGCAAAATTCAAGAGACGCCCATGGTG-3'
Protein context (NP_071900.2, residues 307-327): LPFCQPKKKS[Thr317Met]PLKYEVGDLI

ClinVar aggregate classification (germline): Conflicting classifications of pathogenicity. Review status: criteria provided, conflicting classifications (1 of 4 stars). 3 submissions from 3 submitters: Uncertain significance (2); Benign (1). Last evaluated 2025-12-21.

Conditions:
NSD1-related disorder. Also called: NSD1-related condition.

Allele frequency attached by ClinVar (database versions not stated): gnomAD 0.00001; gnomAD exomes 0.00001; TOPMed 0.00002.
gnomAD v4.1: 11 of 1,613,924 alleles (0.00068%); highest among the groups gnomAD compares: African/African-American, 0.0027%; no homozygotes.

Submissions (3):

Labcorp Genetics (formerly Invitae), Labcorp
Classification: Benign. Last evaluated: 2025-12-21. Review status: criteria provided, single submitter. Criteria: Invitae Variant Classification Sherloc (09022015). Collection method: clinical testing. Allele origin: germline.

GeneDx
Classification: Uncertain significance. Last evaluated: 2025-02-23. Review status: criteria provided, single submitter. Criteria: GeneDx Variant Classification Process June 2021. Collection method: clinical testing. Allele origin: germline. Affected: yes.
Comment: In silico analysis indicates that this missense variant does not alter protein structure/function; Has not been previously published as pathogenic or benign to our knowledge

PreventionGenetics, part of Exact Sciences
Classification: Uncertain significance for NSD1-related condition. Last evaluated: 2023-01-06. Review status: criteria provided, single submitter. Criteria: ACMG Guidelines, 2015. Collection method: clinical testing. Allele origin: germline.
Comment: The NSD1 c.950C>T variant is predicted to result in the amino acid substitution p.Thr317Met. To our knowledge, this variant has not been reported in the literature. This variant is reported in 0.011% of alleles in individuals of African descent in gnomAD. Although we suspect that this variant may be benign, at this time, the clinical significance of this variant is uncertain due to the absence of conclusive functional and genetic evidence.